The following is an entry in ClinVar:

NM_000232.5(SGCB):c.838G>A (p.Gly280Ser)

Gene: SGCB (sarcoglycan beta; minus strand). Cytogenetic location: 4q12.
Variant type: single nucleotide variant.
Coding change: c.838G>A on transcript NM_000232.5 (MANE Select); coding-DNA position 838, G replaced by A.
Protein change: p.Gly280Ser; replaces glycine 280 with serine.
Molecular consequence: missense variant.
Genome position (GRCh38, 1-based): chr4:52,024,076, C>T on the plus strand (G>A on the coding strand, the complement: SGCB is on the minus strand). VCF-style: chr4-52024076-C-T. GRCh37 (hg19) VCF-style: chr4-52890242-C-T.
Other names: short protein forms G280S.
Identifiers: ClinVar variation 284488 (VCV000284488.11), dbSNP rs879945095, ClinGen allele CA10604811.

ClinVar aggregate classification (germline): Uncertain significance. Review status: criteria provided, multiple submitters, no conflicts (2 of 4 stars). 4 submissions from 4 submitters: Uncertain significance (3). 1 of the submissions does not count toward it. Last evaluated 2025-05-30.

Conditions:
Autosomal recessive limb-girdle muscular dystrophy type 2E (LGMDR4). Also called: MUSCULAR DYSTROPHY, LIMB-GIRDLE, AUTOSOMAL RECESSIVE 4. Identifiers: Orphanet 119, MedGen C1858593, MONDO:0011423, OMIM 604286. Disease mechanism: Affects gamma-sarcoglycan and also disrupts the integrity of the entire sarcoglycan complex..

Allele frequency attached by ClinVar (database versions not stated): gnomAD 0.00004 and 0.00003; gnomAD exomes 0.00005 and 0.00002; TOPMed 0.00003.
gnomAD v4.1: 74 of 1,613,876 alleles (0.0046%); highest among the groups gnomAD compares: Non-Finnish European, 0.006%; no homozygotes.

Submissions (4):

Revvity Omics, Revvity
Classification: Uncertain significance for Autosomal recessive limb-girdle muscular dystrophy type 2E. Last evaluated: 2025-05-30. Review status: criteria provided, single submitter. Criteria: ACMG Guidelines, 2015. Collection method: clinical testing. Allele origin: germline.

Labcorp Genetics (formerly Invitae), Labcorp
Classification: Uncertain significance for Autosomal recessive limb-girdle muscular dystrophy type 2E. Last evaluated: 2022-05-08. Review status: criteria provided, single submitter. Criteria: Invitae Variant Classification Sherloc (09022015). Collection method: clinical testing. Allele origin: germline.
Comment: This sequence change replaces glycine, which is neutral and non-polar, with serine, which is neutral and polar, at codon 280 of the SGCB protein (p.Gly280Ser). This variant is present in population databases (no rsID available, gnomAD 0.004%). This variant has not been reported in the literature in individuals affected with SGCB-related conditions. ClinVar contains an entry for this variant (Variation ID: 284488). Algorithms developed to predict the effect of missense changes on protein structure and function output the following: SIFT: "Tolerated"; PolyPhen-2: "Benign"; Align-GVGD: "Class C0". The serine amino acid residue is found in multiple mammalian species, which suggests that this missense change does not adversely affect protein function. In summary, the available evidence is currently insufficient to determine the role of this variant in disease. Therefore, it has been classified as a Variant of Uncertain Significance.

Eurofins Ntd Llc (ga)
Classification: Uncertain significance. Last evaluated: 2018-06-29. Review status: criteria provided, single submitter. Criteria: EGL ClinVar v180209 classification definitions. Collection method: clinical testing. Allele origin: germline. Observed: 2 variant alleles, 2 heterozygotes.

Natera, Inc.
Classification: Uncertain significance for Limb-girdle muscular dystrophy type 2E. Last evaluated: 2021-08-17. Review status: no assertion criteria provided. Collection method: clinical testing. Allele origin: germline. Not counted in ClinVar's aggregate classification.